The following is an entry in ClinVar:

ClinVar aggregate classification (germline): Uncertain significance (1 of 4 stars; one submission).

gnomAD v4.1: 4 of 1,612,930 alleles (0.00025%); highest among the groups gnomAD compares: Non-Finnish European, 0.00034%; no homozygotes.

Submission:

GeneDx
Classification: Uncertain significance. Last evaluated: 2026-03-02. Review status: criteria provided, single submitter. Criteria: GeneDx Variant Classification Process June 2021. Collection method: clinical testing. Allele origin: germline.
Comment: In silico analysis supports that this missense variant has a deleterious effect on protein structure/function; Has not been previously published as pathogenic or benign to our knowledge

NM_001606.5(ABCA2):c.3019G>A (p.Ala1007Thr)

Gene: ABCA2 (ATP binding cassette subfamily A member 2; minus strand). Cytogenetic location: 9q34.3.
Variant type: single nucleotide variant.
Coding change: c.3019G>A on transcript NM_001606.5 (MANE Select); coding-DNA position 3019, G replaced by A.
Protein change: p.Ala1007Thr; replaces alanine 1007 with threonine.
Molecular consequence: missense variant.
Genome position (GRCh38, 1-based): chr9:137,016,376, C>T on the plus strand (G>A on the coding strand, the complement: ABCA2 is on the minus strand). VCF-style: chr9-137016376-C-T. GRCh37 (hg19) VCF-style: chr9-139910828-C-T.
Other names: c.3016G>A, p.Ala1006Thr (NM_001411042.1); c.3109G>A, p.Ala1037Thr (NM_212533.3); short protein forms A1006T, A1007T, A1037T.
Identifiers: ClinVar variation 3360394 (VCV003360394.2).